The following is an entry in ClinVar:

ClinVar aggregate classification (germline): Uncertain significance (1 of 4 stars; one submission).

Submission:

Labcorp Genetics (formerly Invitae), Labcorp
Classification: Uncertain significance. Last evaluated: 2024-03-12. Review status: criteria provided, single submitter. Criteria: Invitae Variant Classification Sherloc (09022015). Collection method: clinical testing. Allele origin: germline.
Comment: This sequence change replaces asparagine, which is neutral and polar, with serine, which is neutral and polar, at codon 2057 of the HMCN1 protein (p.Asn2057Ser). This variant is not present in population databases (gnomAD no frequency). This variant has not been reported in the literature in individuals affected with HMCN1-related conditions. Algorithms developed to predict the effect of missense changes on protein structure and function output the following: SIFT: "Not Available"; PolyPhen-2: "Probably Damaging"; Align-GVGD: "Not Available". The serine amino acid residue is found in multiple mammalian species, which suggests that this missense change does not adversely affect protein function. In summary, the available evidence is currently insufficient to determine the role of this variant in disease. Therefore, it has been classified as a Variant of Uncertain Significance.

NM_031935.3(HMCN1):c.6170A>G (p.Asn2057Ser)

Gene: HMCN1 (hemicentin 1; plus strand). Cytogenetic location: 1q31.1.
Variant type: single nucleotide variant.
Coding change: c.6170A>G on transcript NM_031935.3 (MANE Select); coding-DNA position 6170, A replaced by G.
Protein change: p.Asn2057Ser; replaces asparagine 2057 with serine.
Molecular consequence: missense variant.
Genome position (GRCh38, 1-based): chr1:186,039,869, A>G. VCF-style: chr1-186039869-A-G. GRCh37 (hg19) VCF-style: chr1-186009001-A-G.
Other names: short protein forms N2057S.
Identifiers: ClinVar variation 3671251 (VCV003671251.2).